The following is an entry in ClinVar:

NM_016011.5(MECR):c.469C>T (p.Pro157Ser)

Gene: MECR (mitochondrial trans-2-enoyl-CoA reductase; minus strand). Cytogenetic location: 1p35.3.
Variant type: single nucleotide variant.
Coding change: c.469C>T on transcript NM_016011.5 (MANE Select); coding-DNA position 469, C replaced by T.
Protein change: p.Pro157Ser; replaces proline 157 with serine.
Molecular consequence: missense variant. On other transcripts: non-coding transcript variant (4).
Genome position (GRCh38, 1-based): chr1:29,206,843, G>A on the plus strand (C>T on the coding strand, the complement: MECR is on the minus strand). VCF-style: chr1-29206843-G-A. GRCh37 (hg19) VCF-style: chr1-29533355-G-A.
Other names: c.241C>T, p.Pro81Ser (NM_001024732.4, NM_001349711.2, NM_001349712.2 and 2 more transcripts); c.574C>T, p.Pro192Ser (NM_001349715.2); c.553C>T, p.Pro185Ser (NM_001349716.2); c.319C>T, p.Pro107Ser (NM_001349717.2); short protein forms P157S, P192S, P81S, P107S, P185S.
Identifiers: ClinVar variation 1935960 (VCV001935960.2), dbSNP rs914104967, ClinGen allele CA20043543.

ClinVar aggregate classification (germline): Uncertain significance (1 of 4 stars; one submission).

Allele frequency attached by ClinVar (database versions not stated): gnomAD exomes below 0.00001; gnomAD 0.00001; TOPMed 0.00001.

Submission:

Labcorp Genetics (formerly Invitae), Labcorp
Classification: Uncertain significance. Last evaluated: 2022-10-24. Review status: criteria provided, single submitter. Criteria: Invitae Variant Classification Sherloc (09022015). Collection method: clinical testing. Allele origin: germline.
Comment: This sequence change replaces proline, which is neutral and non-polar, with serine, which is neutral and polar, at codon 157 of the MECR protein (p.Pro157Ser). This variant is present in population databases (no rsID available, gnomAD 0.006%). This variant has not been reported in the literature in individuals affected with MECR-related conditions. Advanced modeling of protein sequence and biophysical properties (such as structural, functional, and spatial information, amino acid conservation, physicochemical variation, residue mobility, and thermodynamic stability) performed at Invitae indicates that this missense variant is not expected to disrupt MECR protein function. In summary, the available evidence is currently insufficient to determine the role of this variant in disease. Therefore, it has been classified as a Variant of Uncertain Significance.